The following is an entry in ClinVar:

ClinVar aggregate classification (germline): Conflicting classifications of pathogenicity. Review status: criteria provided, conflicting classifications (1 of 4 stars). 3 submissions from 3 submitters: Likely pathogenic (1); Uncertain significance (2). Last evaluated 2024-05-28.

Conditions:
Microcephaly, facial dysmorphism, renal agenesis, and ambiguous genitalia syndrome. Identifiers: MedGen C4748348, MONDO:0020647, OMIM 618142.

Allele frequency attached by ClinVar (database versions not stated): gnomAD 0.00004; TOPMed 0.00004.
gnomAD v4.1: 30 of 1,613,808 alleles (0.0019%); highest among the groups gnomAD compares: Middle Eastern, 0.016%; no homozygotes.

Submissions (3):

GeneDx
Classification: Uncertain significance. Last evaluated: 2024-05-28. Review status: criteria provided, single submitter. Criteria: GeneDx Variant Classification Process June 2021. Collection method: clinical testing. Allele origin: germline. Affected: yes.
Comment: Not observed at significant frequency in large population cohorts (gnomAD); In silico analysis supports that this missense variant has a deleterious effect on protein structure/function; Has not been previously published as pathogenic or benign to our knowledge

Fulgent Genetics
Classification: Likely pathogenic for Microcephaly, facial dysmorphism, renal agenesis, and ambiguous genitalia syndrome. Last evaluated: 2024-03-21. Review status: criteria provided, single submitter. Criteria: ACMG Guidelines, 2015. Collection method: clinical testing. Allele origin: germline.

Ambry Genetics
Classification: Uncertain significance. Last evaluated: 2022-11-08. Review status: criteria provided, single submitter. Criteria: Ambry Variant Classification Scheme 2023. Collection method: clinical testing. Allele origin: germline.

NM_001012759.3(CTU2):c.199C>T (p.Arg67Trp)

Gene: CTU2 (cytosolic thiouridylase subunit 2; plus strand). Cytogenetic location: 16q24.3.
Variant type: single nucleotide variant.
Coding change: c.199C>T on transcript NM_001012759.3 (MANE Select); coding-DNA position 199, C replaced by T.
Protein change: p.Arg67Trp; replaces arginine 67 with tryptophan.
Molecular consequence: missense variant. On other transcripts: intron variant (1).
Genome position (GRCh38, 1-based): chr16:88,709,993, C>T. VCF-style: chr16-88709993-C-T. GRCh37 (hg19) VCF-style: chr16-88776401-C-T.
Other names: c.199C>T, p.Arg67Trp (NM_001012762.3, NM_001318507.2); c.-39-230C>T (NM_001318513.2); c.199C>T (NM_001012759.2); short protein forms R67W.
Identifiers: ClinVar variation 2215590 (VCV002215590.4), dbSNP rs200836148, ClinGen allele CA286391198.